The following is an entry in ClinVar:

ClinVar aggregate classification (germline): Likely benign. Review status: criteria provided, single submitter (1 of 4 stars). 2 submissions from 2 submitters: Likely benign (1). 1 of the submissions does not count toward it. Last evaluated 2022-09-25.

Conditions:
FIG4-related disorder. Also called: FIG4-related disorders; FIG4-related condition.
Charcot-Marie-Tooth disease type 4. Also called: Charcot-Marie-Tooth, Type 4; Charcot-Marie-Tooth disease, type IV. Identifiers: Orphanet 64749, MedGen C4082197, MONDO:0018995.

Submissions (2):

Labcorp Genetics (formerly Invitae), Labcorp
Classification: Likely benign for Charcot-Marie-Tooth disease type 4. Last evaluated: 2022-09-25. Review status: criteria provided, single submitter. Criteria: Invitae Variant Classification Sherloc (09022015). Collection method: clinical testing. Allele origin: germline.

PreventionGenetics, part of Exact Sciences
Classification: Likely benign for FIG4-related condition. Last evaluated: 2022-09-15. Review status: no assertion criteria provided. Collection method: clinical testing. Allele origin: germline. Not counted in ClinVar's aggregate classification.
Comment: This variant is classified as likely benign based on ACMG/AMP sequence variant interpretation guidelines (Richards et al. 2015 PMID: 25741868, with internal and published modifications).

NM_014845.6(FIG4):c.1388+10G>C

Gene: FIG4 (FIG4 phosphoinositide 5-phosphatase; plus strand). Cytogenetic location: 6q21.
Variant type: single nucleotide variant.
Coding change: c.1388+10G>C on transcript NM_014845.6 (MANE Select); 10 bases into the intron after coding-DNA position 1388, G replaced by C.
Molecular consequence: intron variant.
Genome position (GRCh38, 1-based): chr6:109,762,217, G>C. VCF-style: chr6-109762217-G-C. GRCh37 (hg19) VCF-style: chr6-110083420-G-C.
Other names: c.1388+10G>C (NM_014845.5).
Identifiers: ClinVar variation 2032514 (VCV002032514.5), dbSNP rs2486175600, ClinGen allele CA2580074764.